The following is an entry in ClinVar:

NM_000466.3(PEX1):c.1209_1215dup (p.Val406fs)

Gene: PEX1 (peroxisomal biogenesis factor 1; minus strand). Cytogenetic location: 7q21.2.
Variant type: Duplication.
Coding change: c.1209_1215dup on transcript NM_000466.3 (MANE Select); coding-DNA positions 1209 to 1215, 7 bases duplicated (TGTAGAA; older notation c.1209_1215dupTGTAGAA).
Protein change: p.Val406fs; shifts the reading frame from valine 406.
Molecular consequence: frameshift variant.
Genome position (GRCh38, 1-based): chr7:92,517,300-92,517,306, TTCTACA duplicated on the plus strand (TGTAGAA on the coding strand, the reverse complement: PEX1 is on the minus strand); duplicating any 7 consecutive bases within chr7:92,517,300-92,517,308 gives the same sequence; the c. name uses the placement nearest the transcript's 3' end. VCF-style (leftmost placement, unchanged base first): chr7-92517299-C-CTTCTACA. GRCh37 (hg19) VCF-style: chr7-92146613-C-CTTCTACA.
Other names: c.1209_1215dup, p.Val406fs (NM_001282677.2); c.585_591dup, p.Val198fs (NM_001282678.2); short protein forms V198fs, V406fs.
Identifiers: ClinVar variation 5015891 (VCV005015891.1).

ClinVar aggregate classification (germline): Pathogenic (1 of 4 stars; one submission).

Conditions:
Peroxisome biogenesis disorder. Identifiers: Orphanet 79189, MedGen C1832200, MONDO:0019234. Disease mechanism: loss of function.

Submission:

Myriad Genetics, Inc.
Classification: Pathogenic for Peroxisome biogenesis disorder. Last evaluated: 2026-05-07. Review status: criteria provided, single submitter. Criteria: Myriad Autosomal Dominant, Autosomal Recessive and X-Linked Classification Criteria (2023). Collection method: clinical testing. Allele origin: unknown.
Comment: NM_000466.2(PEX1):c.1209_1215dup7(V406Cfs*14) is expected to be pathogenic in the context of peroxisome biogenesis disorder type 1. This variant is predicted to lead to an abnormal or absent protein product due to the creation of a premature termination codon in PEX1, a gene where loss-of-function variants are known to be pathogenic. Please note: this variant was assessed in the context of healthy population screening.